The following is an entry in ClinVar:

ClinVar aggregate classification (germline): Uncertain significance (1 of 4 stars; one submission).

Conditions:
Immunodeficiency 23 (IMD23). Also called: IMMUNODEFICIENCY WITH HYPER IgE AND COGNITIVE IMPAIRMENT; IMMUNODEFICIENCY-VASCULITIS-MYOCLONUS SYNDROME. Identifiers: Orphanet 443811, MedGen C4014371, MONDO:0014353, OMIM 615816.

Submission:

Neuberg Centre For Genomic Medicine, NCGM
Classification: Uncertain significance for Immunodeficiency 23. Review status: criteria provided, single submitter. Criteria: ACMG Guidelines, 2015. Collection method: clinical testing. Allele origin: germline. Inheritance: Autosomal recessive inheritance. Affected: yes.
Comment: The missense variant p.Y329H in PGM3 (NM_015599.3) has not been reported previously as a pathogenic variant nor as a benign variant, to our knowledge. The p.Y329H variant is novel (not in any individuals) in gnomAD Exomes and is novel (not in any individuals) in 1000 Genomes. The p.Y329H missense variant is predicted to be damaging by both SIFT and PolyPhen2. The tyrosine residue at codon 329 of PGM3 is conserved in all mammalian species. The nucleotide c.985 in PGM3 is predicted conserved by GERP++ and PhyloP across 100 vertebrates. For these reasons, this variant has been classified as Uncertain Significance.

NM_015599.3(PGM3):c.985T>C (p.Tyr329His)

Gene: PGM3 (phosphoglucomutase 3; minus strand). Cytogenetic location: 6q14.1.
Variant type: single nucleotide variant.
Coding change: c.985T>C on transcript NM_015599.3 (MANE Select); coding-DNA position 985, T replaced by C.
Protein change: p.Tyr329His; replaces tyrosine 329 with histidine.
Molecular consequence: missense variant. On other transcripts: non-coding transcript variant (1).
Genome position (GRCh38, 1-based): chr6:83,178,717, A>G on the plus strand (T>C on the coding strand, the complement: PGM3 is on the minus strand). VCF-style: chr6-83178717-A-G. GRCh37 (hg19) VCF-style: chr6-83888436-A-G.
Other names: c.1069T>C, p.Tyr357His (NM_001199917.2, NM_001367287.1); c.742T>C, p.Tyr248His (NM_001199918.2); c.985T>C, p.Tyr329His (NM_001199919.2, NM_001367286.1); short protein forms Y248H, Y329H, Y357H.
Identifiers: ClinVar variation 2627456 (VCV002627456.1), dbSNP rs2538108193, ClinGen allele CA364880986.